The following is an entry in ClinVar:

NM_000182.5(HADHA):c.1844dup (p.Asn615fs)

Genes: GAREM2 (GRB2 associated regulator of MAPK1 subtype 2; plus strand), HADHA (hydroxyacyl-CoA dehydrogenase trifunctional multienzyme complex subunit alpha; minus strand). Cytogenetic location: 2p23.3.
Variant type: Duplication.
Coding change: c.1844dup on transcript NM_000182.5 (MANE Select); coding-DNA position 1844, one base duplicated (A; older notation c.1844dupA).
Protein change: p.Asn615fs; shifts the reading frame from asparagine 615.
Molecular consequence: frameshift variant.
Genome position (GRCh38, 1-based): chr2:26,193,618, T duplicated on the plus strand (A on the coding strand, the reverse complement: HADHA is on the minus strand); the first of 3 consecutive T bases (chr2:26,193,618-26,193,620); duplicating any one gives the same sequence. VCF-style (leftmost placement, unchanged base first): chr2-26193617-G-GT. GRCh37 (hg19) VCF-style: chr2-26416486-G-GT.
Other names: c.1844dupA (NM_000182.4); short protein forms N615fs.
Identifiers: ClinVar variation 1725512 (VCV001725512.5), dbSNP rs1669575714, ClinGen allele CA1239701905.

ClinVar aggregate classification (germline): Pathogenic/Likely pathogenic. Review status: criteria provided, multiple submitters, no conflicts (2 of 4 stars). 3 submissions from 3 submitters: Pathogenic (1); Likely pathogenic (2). Last evaluated 2023-07-15.

Conditions:
Long chain 3-hydroxyacyl-CoA dehydrogenase deficiency. Also called: LCHAD Deficiency; Deficiency of long-chain 3-hydroxyacyl-coenzyme A dehydrogenase. Identifiers: Orphanet 5, MedGen C3711645, MONDO:0012173, OMIM 609016.

Submissions (3):

Baylor Genetics
Classification: Likely pathogenic for Long chain 3-hydroxyacyl-CoA dehydrogenase deficiency. Last evaluated: 2023-07-15. Review status: criteria provided, single submitter. Criteria: ACMG Guidelines, 2015. Collection method: clinical testing. Allele origin: unknown.

Women's Health and Genetics/Laboratory Corporation of America, LabCorp
Classification: Pathogenic for Long chain 3-hydroxyacyl-CoA dehydrogenase deficiency. Last evaluated: 2023-05-11. Review status: criteria provided, single submitter. Criteria: LabCorp Variant Classification Summary - May 2015. Collection method: clinical testing. Allele origin: germline.
Comment: Variant summary: HADHA c.1844dupA (p.Asn615LysfsX17) results in a premature termination codon, predicted to cause a truncation of the encoded protein or absence of the protein due to nonsense mediated decay, which are commonly known mechanisms for disease. The variant was absent in 251414 control chromosomes (gnomAD). To our knowledge, no occurrence of c.1844dupA in individuals affected with Long Chain 3-Hydroxyacyl-CoA Dehydrogenase Deficiency and no experimental evidence demonstrating its impact on protein function have been reported. One ClinVar submitter has assessed the variant since 2014: the variant was classified as likely pathogenic. Based on the evidence outlined above, the variant was classified as pathogenic.

Myriad Genetics, Inc.
Classification: Likely pathogenic for Long chain 3-hydroxyacyl-CoA dehydrogenase deficiency. Last evaluated: 2022-03-29. Review status: criteria provided, single submitter. Criteria: Myriad Autosomal Dominant, Autosomal Recessive and X-Linked Classification Criteria (2023). Collection method: clinical testing. Allele origin: unknown.
Comment: NM_000182.4(HADHA):c.1844dupA(N615Kfs*17) is expected to be pathogenic in the context of HADHA-related disorders. This variant is predicted to lead to an abnormal or absent protein product due to the creation of a premature termination codon in HADHA, a gene where loss-of-function variants are known to be pathogenic. Please note: this variant was assessed in the context of healthy population screening.